The following is an entry in ClinVar:

ClinVar aggregate classification (germline): Uncertain significance. Review status: criteria provided, multiple submitters, no conflicts (2 of 4 stars). 3 submissions from 3 submitters: Uncertain significance (3). Last evaluated 2026-02-04.

Conditions:
Autosomal dominant polycystic kidney disease. Identifiers: Orphanet 730, MedGen C0085413, MONDO:0004691.

Allele frequency attached by ClinVar (database versions not stated): ExAC 0.00001.

Submissions (3):

GeneDx
Classification: Uncertain significance. Last evaluated: 2026-02-04. Review status: criteria provided, single submitter. Criteria: GeneDx Variant Classification Process June 2021. Collection method: clinical testing. Allele origin: germline.
Comment: Not observed at significant frequency in large population cohorts (gnomAD); In silico analysis suggests that this missense variant does not alter protein structure/function; Has not been previously published as pathogenic or benign to our knowledge

Labcorp Genetics (formerly Invitae), Labcorp
Classification: Uncertain significance for Autosomal dominant polycystic kidney disease. Last evaluated: 2025-12-08. Review status: criteria provided, single submitter. Criteria: Invitae Variant Classification Sherloc (09022015). Collection method: clinical testing. Allele origin: germline.
Comment: This sequence change replaces serine, which is neutral and polar, with cysteine, which is neutral and slightly polar, at codon 964 of the PKD2 protein (p.Ser964Cys). This variant is present in population databases (rs766428004, gnomAD 0.0009%). This variant has not been reported in the literature in individuals affected with PKD2-related conditions. ClinVar contains an entry for this variant (Variation ID: 2993497). An algorithm developed to predict the effect of missense changes on protein structure and function (PolyPhen-2) suggests that this variant is likely to be tolerated. In summary, the available evidence is currently insufficient to determine the role of this variant in disease. Therefore, it has been classified as a Variant of Uncertain Significance.

Blueprint Genetics
Classification: Uncertain significance. Last evaluated: 2021-08-24. Review status: criteria provided, single submitter. Criteria: ACMG Guidelines, 2015. Collection method: clinical testing. Allele origin: germline.

NM_000297.4(PKD2):c.2891C>G (p.Ser964Cys)

Gene: PKD2 (polycystin 2, transient receptor potential cation channel; plus strand). Cytogenetic location: 4q22.1.
Variant type: single nucleotide variant.
Coding change: c.2891C>G on transcript NM_000297.4 (MANE Select); coding-DNA position 2891, C replaced by G.
Protein change: p.Ser964Cys; replaces serine 964 with cysteine.
Molecular consequence: missense variant. On other transcripts: non-coding transcript variant (1).
Genome position (GRCh38, 1-based): chr4:88,075,678, C>G. VCF-style: chr4-88075678-C-G. GRCh37 (hg19) VCF-style: chr4-88996830-C-G.
Other names: c.2891C>G (NM_000297.3); short protein forms S964C.
Identifiers: ClinVar variation 2993497 (VCV002993497.5), dbSNP rs766428004, ClinGen allele CA3004385.